The following is an entry in ClinVar:

ClinVar aggregate classification (germline): Uncertain significance (1 of 4 stars; one submission).

Conditions:
Coffin-Lowry syndrome (CLS). Also called: COFFIN-LOWRY SYNDROME, MILD; Mental retardation with osteocartilaginous abnormalities. Identifiers: Orphanet 192, MedGen C0265252, MONDO:0010561, OMIM 303600.

Allele frequency attached by ClinVar (database versions not stated): gnomAD exomes below 0.00001.
gnomAD v4.1: 3 of 1,182,675 alleles (0.00025%); highest among the groups gnomAD compares: Admixed American, 0.0022%; no homozygotes.

Submission:

MVZ Medizinische Genetik Mainz
Classification: Uncertain significance for Coffin-Lowry syndrome. Last evaluated: 2021-11-12. Review status: criteria provided, single submitter. Criteria: UK Practice Guidelines For Variant Classification V4 01 2020. Collection method: clinical testing. Allele origin: germline. Inheritance: X-linked dominant inheritance. Affected: yes. Observed: 1 variant allele.
Comment: ACMG Criteria: PM2_SUP, PP2, PP3 (ACMG Version 3)

NM_004586.3(RPS6KA3):c.512A>G (p.Lys171Arg)

Gene: RPS6KA3 (ribosomal protein S6 kinase A3; minus strand). Cytogenetic location: Xp22.12.
Variant type: single nucleotide variant.
Coding change: c.512A>G on transcript NM_004586.3 (MANE Select); coding-DNA position 512, A replaced by G.
Protein change: p.Lys171Arg; replaces lysine 171 with arginine.
Molecular consequence: missense variant.
Genome position (GRCh38, 1-based): chrX:20,193,568, T>C on the plus strand (A>G on the coding strand, the complement: RPS6KA3 is on the minus strand). VCF-style: chrX-20193568-T-C. GRCh37 (hg19) VCF-style: chrX-20211686-T-C.
Other names: short protein forms K171R.
Identifiers: ClinVar variation 3236201 (VCV003236201.1), dbSNP rs2148700476, ClinGen allele CA412509987.